The following is an entry in ClinVar:

NM_001999.4(FBN2):c.7841-322T>C

Gene: FBN2 (fibrillin 2; minus strand). Cytogenetic location: 5q23.3.
Variant type: single nucleotide variant.
Coding change: c.7841-322T>C on transcript NM_001999.4 (MANE Select); 322 bases into the intron before coding-DNA position 7841, T replaced by C.
Molecular consequence: intron variant.
Genome position (GRCh38, 1-based): chr5:128,272,440, A>G on the plus strand (T>C on the coding strand, the complement: FBN2 is on the minus strand). VCF-style: chr5-128272440-A-G. GRCh37 (hg19) VCF-style: chr5-127608132-A-G.
Identifiers: ClinVar variation 683538 (VCV000683538.1), dbSNP rs75856965, ClinGen allele CA127018841.

ClinVar aggregate classification (germline): Benign (1 of 4 stars; one submission).

Allele frequency attached by ClinVar (database versions not stated): 1000 Genomes Project 30x 0.05715; 1000 Genomes Project 0.05990; TOPMed 0.07622; gnomAD 0.08517 and 0.08605.
gnomAD v4.1: 12,338 of 143,008 alleles (8.6%); highest among the groups gnomAD compares: Non-Finnish European, 12%; 667 homozygotes.

Submission:

GeneDx
Classification: Benign. Last evaluated: 2018-06-18. Review status: criteria provided, single submitter. Criteria: GeneDx Variant Classification (06012015). Collection method: clinical testing. Allele origin: germline. Affected: yes.
Comment: This variant is considered likely benign or benign based on one or more of the following criteria: it is a conservative change, it occurs at a poorly conserved position in the protein, it is predicted to be benign by multiple in silico algorithms, and/or has population frequency not consistent with disease.